The following is an entry in ClinVar:

NM_002880.4(RAF1):c.1917G>A (p.Leu639=)

Gene: RAF1 (Raf-1 proto-oncogene, serine/threonine kinase; minus strand). Cytogenetic location: 3p25.2.
Variant type: single nucleotide variant.
Coding change: c.1917G>A on transcript NM_002880.4 (MANE Select); coding-DNA position 1917, G replaced by A.
Protein change: p.Leu639=; no amino-acid change (leucine 639 retained).
Molecular consequence: synonymous variant. On other transcripts: non-coding transcript variant (3).
Genome position (GRCh38, 1-based): chr3:12,584,544, C>T on the plus strand (G>A on the coding strand, the complement: RAF1 is on the minus strand). VCF-style: chr3-12584544-C-T. GRCh37 (hg19) VCF-style: chr3-12626043-C-T.
Other names: c.1977G>A, p.Leu659= (NM_001354689.3); c.1917G>A, p.Leu639= (NM_001354690.3); c.1674G>A, p.Leu558= (NM_001354691.3, NM_001354692.3); c.1818G>A, p.Leu606= (NM_001354693.3); c.1734G>A, p.Leu578= (NM_001354694.3); c.1575G>A, p.Leu525= (NM_001354695.3).
Identifiers: ClinVar variation 1782601 (VCV001782601.9), dbSNP rs151027203, ClinGen allele CA2259370.

ClinVar aggregate classification (germline): Likely benign. Review status: criteria provided, multiple submitters, no conflicts (2 of 4 stars). 3 submissions from 3 submitters: Likely benign (2). 1 of the submissions does not count toward it. Last evaluated 2025-03-03.

Conditions:
RAF1-related disorder. Also called: RAF1-related condition; RAF1-related disorders.
Cardiovascular phenotype. Identifiers: MedGen CN230736.
RASopathy. Also called: Noonan spectrum disorder; rasopathies. Identifiers: Orphanet 536391, MedGen C5555857, MONDO:0021060.

Allele frequency attached by ClinVar (database versions not stated): gnomAD exomes 0.00001; ExAC 0.00003; gnomAD 0.00003; TOPMed 0.00003; ESP Exome Variant Server 0.00015.
gnomAD v4.1: 24 of 1,614,054 alleles (0.0015%); highest among the groups gnomAD compares: Non-Finnish European, 0.0019%; no homozygotes.

Submissions (3):

Labcorp Genetics (formerly Invitae), Labcorp
Classification: Likely benign for RASopathy. Last evaluated: 2025-03-03. Review status: criteria provided, single submitter. Criteria: Invitae Variant Classification Sherloc (09022015). Collection method: clinical testing. Allele origin: germline.

Ambry Genetics
Classification: Likely benign for Cardiovascular phenotype. Last evaluated: 2020-07-09. Review status: criteria provided, single submitter. Criteria: Ambry Variant Classification Scheme 2023. Collection method: clinical testing. Allele origin: germline.

PreventionGenetics, part of Exact Sciences
Classification: Likely benign for RAF1-related condition. Last evaluated: 2020-12-09. Review status: no assertion criteria provided. Collection method: clinical testing. Allele origin: germline. Not counted in ClinVar's aggregate classification.
Comment: This variant is classified as likely benign based on ACMG/AMP sequence variant interpretation guidelines (Richards et al. 2015 PMID: 25741868, with internal and published modifications).